The following is an entry in ClinVar:

NM_000362.5(TIMP3):c.11G>C (p.Trp4Ser)

Genes: SYN3 (synapsin III; minus strand), TIMP3 (TIMP metallopeptidase inhibitor 3; plus strand). Cytogenetic location: 22q12.3.
Variant type: single nucleotide variant.
Coding change: c.11G>C on transcript NM_000362.5 (MANE Select); coding-DNA position 11, G replaced by C.
Protein change: p.Trp4Ser; replaces tryptophan 4 with serine.
Molecular consequence: missense variant. On other transcripts: intron variant (7).
Genome position (GRCh38, 1-based): chr22:32,802,012, G>C. VCF-style: chr22-32802012-G-C. GRCh37 (hg19) VCF-style: chr22-33197998-G-C.
Other names: c.708+62903C>G (NM_001369909.1, NM_001135774.2, NM_001369910.1); c.711+62903C>G (NM_001369907.1, NM_003490.4, NM_001369908.1 and 1 more transcripts); short protein forms W4S.
Identifiers: ClinVar variation 1386391 (VCV001386391.8), dbSNP rs1383743885, ClinGen allele CA411538889.
Genomic context (GRCh38, chr22:32,802,012, plus strand): 5'-CAACTTTGGAGAGGCGAGCAGCAGCCCCGGCAGCGGCGGCAGCAGCGGCAATGACCCCTT[G>C]GCTCGGGCTCATCGTGCTCCTGGGCAGCTGGAGCCTGGGGGACTGGGGCGCCGAGGCGTG-3'
Protein context (NP_000353.1, residues 1-14): MTP[Trp4Ser]LGLIVLLGSW

ClinVar aggregate classification (germline): Uncertain significance (1 of 4 stars; one submission).

Submission:

Labcorp Genetics (formerly Invitae), Labcorp
Classification: Uncertain significance. Last evaluated: 2023-02-16. Review status: criteria provided, single submitter. Criteria: Invitae Variant Classification Sherloc (09022015). Collection method: clinical testing. Allele origin: germline.
Comment: This sequence change replaces tryptophan, which is neutral and slightly polar, with serine, which is neutral and polar, at codon 4 of the TIMP3 protein (p.Trp4Ser). This variant is not present in population databases (gnomAD no frequency). This variant has not been reported in the literature in individuals affected with TIMP3-related conditions. ClinVar contains an entry for this variant (Variation ID: 1386391). An algorithm developed to predict the effect of missense changes on protein structure and function (PolyPhen-2) suggests that this variant is likely to be tolerated. In summary, the available evidence is currently insufficient to determine the role of this variant in disease. Therefore, it has been classified as a Variant of Uncertain Significance.